The following is an entry in ClinVar:

NM_016203.4(PRKAG2):c.*55C>T

Gene: PRKAG2 (protein kinase AMP-activated non-catalytic subunit gamma 2; minus strand). Cytogenetic location: 7q36.1.
Variant type: single nucleotide variant.
Coding change: c.*55C>T on transcript NM_016203.4 (MANE Select); 55 bases downstream of the stop codon, C replaced by T.
Molecular consequence: 3 prime UTR variant.
Genome position (GRCh38, 1-based): chr7:151,557,146, G>A on the plus strand (C>T on the coding strand, the complement: PRKAG2 is on the minus strand). VCF-style: chr7-151557146-G-A. GRCh37 (hg19) VCF-style: chr7-151254232-G-A.
Other names: c.*55C>T (NM_001040633.2, NM_001304527.2, NM_001304531.2 and 2 more transcripts).
Identifiers: ClinVar variation 359343 (VCV000359343.37), dbSNP rs371637024, ClinGen allele CA10625538.
Genomic context (GRCh38, chr7:151,557,146, plus strand): 5'-TATTGTTAAACCCTGATATACATTCTTAACCACTTGCAGCCAGTGTTCATGAGGCAAAAC[G>A]TGACCCAGAGACTTTGTTCAAGTTCTCCTCCTAGGGCGTCTACATTCACGGCGGTCACTC-3'

ClinVar aggregate classification (germline): Conflicting classifications of pathogenicity. Review status: criteria provided, conflicting classifications (1 of 4 stars). 4 submissions from 3 submitters: Uncertain significance (3); Benign (1). Last evaluated 2022-07-01.

Conditions:
Wolff-Parkinson-White pattern. Also called: Auriculoventricular accessory pathway syndrome; False bundle branch block syndrome; Anomalous ventricular excitation syndrome; WPW SYNDROME. Identifiers: MedGen C0043202, MONDO:0008685, OMIM 194200, HP:0001716.
Hypertrophic cardiomyopathy 6. Identifiers: MedGen C1833236, MONDO:0010946, OMIM 600858.

Allele frequency attached by ClinVar (database versions not stated): gnomAD 0.00006 and 0.00011; TOPMed 0.00006; ESP Exome Variant Server 0.00022; gnomAD exomes 0.00023; 1000 Genomes Project 0.00040; 1000 Genomes Project 30x 0.00047.
gnomAD v4.1: 363 of 1,613,678 alleles (0.022%); highest among the groups gnomAD compares: South Asian, 0.21%; 1 homozygote.

Submissions (4):

CeGaT Center for Human Genetics Tuebingen
Classification: Benign. Last evaluated: 2022-07-01. Review status: criteria provided, single submitter. Criteria: CeGaT Center For Human Genetics Tuebingen Variant Classification Criteria Version 2. Collection method: clinical testing. Allele origin: germline. Affected: yes. Observed: 1 variant allele.
Comment: PRKAG2: BS1, BS2

Illumina Laboratory Services, Illumina
Classification: Uncertain significance for Wolff-Parkinson-White pattern. Last evaluated: 2018-01-13. Review status: criteria provided, single submitter. Criteria: ICSL Variant Classification Criteria 13 December 2019. Collection method: clinical testing. Allele origin: germline.

Illumina Laboratory Services, Illumina
Classification: Uncertain significance for Hypertrophic cardiomyopathy 6. Last evaluated: 2018-01-13. Review status: criteria provided, single submitter. Criteria: ICSL Variant Classification Criteria 13 December 2019. Collection method: clinical testing. Allele origin: germline.

Breakthrough Genomics
Classification: Uncertain significance. Review status: criteria provided, single submitter. Criteria: ACMG Guidelines, 2015. Collection method: not provided. Allele origin: germline. Inheritance: Autosomal recessive inheritance. Affected: yes.